The following is an entry in ClinVar:

ClinVar aggregate classification (germline): Uncertain significance (1 of 4 stars; one submission).

gnomAD v4.1: 12 of 1,207,140 alleles (0.00099%); highest among the groups gnomAD compares: East Asian, 0.033%; no homozygotes.

Submission:

GeneDx
Classification: Uncertain significance. Last evaluated: 2024-05-22. Review status: criteria provided, single submitter. Criteria: GeneDx Variant Classification Process June 2021. Collection method: clinical testing. Allele origin: germline. Affected: yes.
Comment: In silico analysis indicates that this missense variant does not alter protein structure/function; Has not been previously published as pathogenic or benign to our knowledge

NM_022101.4(STEEP1):c.164G>A (p.Arg55Gln)

Gene: STEEP1 (STING1 ER exit protein 1; minus strand). Cytogenetic location: Xq24.
Variant type: single nucleotide variant.
Coding change: c.164G>A on transcript NM_022101.4 (MANE Select); coding-DNA position 164, G replaced by A.
Protein change: p.Arg55Gln; replaces arginine 55 with glutamine.
Molecular consequence: missense variant.
Genome position (GRCh38, 1-based): chrX:119,560,346, C>T on the plus strand (G>A on the coding strand, the complement: STEEP1 is on the minus strand). VCF-style: chrX-119560346-C-T. GRCh37 (hg19) VCF-style: chrX-118694309-C-T.
Other names: c.17G>A, p.Arg6Gln (NM_001170569.1); c.164G>A, p.Arg55Gln (NM_001170570.2); short protein forms R55Q, R6Q.
Identifiers: ClinVar variation 3381306 (VCV003381306.1).
Genomic context (GRCh38, chrX:119,560,346, plus strand): 5'-TCCTCATCTTCTGTGTTACAAAACTTATGGGCATGTTTGGCAGCATCAATCACACGGGAC[C>T]GGTCCCGGGGCCTCATGGGCAATTTCTCTAACTGGCAGTCTGAAGGAATGGAGAGATTTG-3'
Protein context (NP_071384.1, residues 45-65): LEKLPMRPRD[Arg55Gln]SRVIDAAKHA